The following is an entry in ClinVar:

ClinVar aggregate classification (germline): Uncertain significance (1 of 4 stars; one submission).

Submission:

Labcorp Genetics (formerly Invitae), Labcorp
Classification: Uncertain significance. Last evaluated: 2025-10-01. Review status: criteria provided, single submitter. Criteria: Invitae Variant Classification Sherloc (09022015). Collection method: clinical testing. Allele origin: germline.
Comment: This sequence change creates a premature translational stop signal (p.Lys202Glnfs*3) in the ANKRD26 gene. It is expected to result in an absent or disrupted protein product. However, the current clinical and genetic evidence is not sufficient to establish whether loss-of-function variants in ANKRD26 cause disease. This variant is not present in population databases (gnomAD no frequency). This variant has not been reported in the literature in individuals affected with ANKRD26-related conditions. ClinVar contains an entry for this variant (Variation ID: 2029141). In summary, the available evidence is currently insufficient to determine the role of this variant in disease. Therefore, it has been classified as a Variant of Uncertain Significance.

NM_014915.3(ANKRD26):c.600_603del (p.Lys202fs)

Gene: ANKRD26 (ankyrin repeat domain 26; minus strand). Cytogenetic location: 10p12.1.
Variant type: Deletion.
Coding change: c.600_603del on transcript NM_014915.3 (MANE Select); coding-DNA positions 600 to 603, 4 bases deleted (GAAA; older notation c.600_603delGAAA).
Protein change: p.Lys202fs; shifts the reading frame from lysine 202.
Molecular consequence: frameshift variant.
Genome position (GRCh38, 1-based): chr10:27,092,441-27,092,444, TTTC deleted on the plus strand (GAAA on the coding strand, the reverse complement: ANKRD26 is on the minus strand); deleting any 4 consecutive bases within chr10:27,092,441-27,092,447 gives the same sequence; the c. name uses the placement nearest the transcript's 3' end. VCF-style (leftmost placement, unchanged base first): chr10-27092440-TTTTC-T. GRCh37 (hg19) VCF-style: chr10-27381369-TTTTC-T.
Other names: c.600_603del, p.Lys202fs (NM_001256053.2); short protein forms K202fs.
Identifiers: ClinVar variation 2029141 (VCV002029141.4), dbSNP rs2056329880, ClinGen allele CA2497282072.